The following is an entry in ClinVar:

NM_000176.3(NR3C1):c.879G>A (p.Lys293=)

Gene: NR3C1 (nuclear receptor subfamily 3 group C member 1; minus strand). Cytogenetic location: 5q31.3.
Variant type: single nucleotide variant.
Coding change: c.879G>A on transcript NM_000176.3 (MANE Select); coding-DNA position 879, G replaced by A.
Protein change: p.Lys293=; no amino-acid change (lysine 293 retained).
Molecular consequence: synonymous variant. On other transcripts: 5 prime UTR variant (3).
Genome position (GRCh38, 1-based): chr5:143,399,961, C>T on the plus strand (G>A on the coding strand, the complement: NR3C1 is on the minus strand). VCF-style: chr5-143399961-C-T. GRCh37 (hg19) VCF-style: chr5-142779526-C-T.
Other names: c.879G>A, p.Lys293= (NM_001018074.1, NM_001018075.1, NM_001018076.2 and 10 more transcripts); c.801G>A, p.Lys267= (NM_001204258.2); c.624G>A, p.Lys208= (NM_001204259.2); c.612G>A, p.Lys204= (NM_001204260.2); c.588G>A, p.Lys196= (NM_001204261.2); c.-67G>A (NM_001204262.2); c.-112G>A (NM_001204263.2); c.-127G>A (NM_001204264.2).
Identifiers: ClinVar variation 351371 (VCV000351371.17), dbSNP rs10482622, ClinGen allele CA3487000.

ClinVar aggregate classification (germline): Benign/Likely benign. Review status: criteria provided, multiple submitters, no conflicts (2 of 4 stars). 4 submissions from 4 submitters: Benign (1); Likely benign (2). 1 of the submissions does not count toward it. Last evaluated 2026-01-15.

Conditions:
NR3C1-related disorder. Also called: NR3C1-related condition.
Glucocorticoid resistance. Also called: Glucocorticoid resistance, generalized; Gccr deficiency; Glucocorticoid receptor deficiency; Cortisol resistance from glucocorticoid receptor defect; Gcr deficiency. Identifiers: Orphanet 786, MedGen C1841972, MONDO:0014421, OMIM 615962.

Allele frequency attached by ClinVar (database versions not stated): gnomAD exomes 0.00221 and 0.00611; ExAC 0.00776; gnomAD 0.02460 and 0.02642; TOPMed 0.02803; ESP Exome Variant Server 0.02853; 1000 Genomes Project 0.03175; 1000 Genomes Project 30x 0.03264.
gnomAD v4.1: 7,078 of 1,614,132 alleles (0.44%); highest among the groups gnomAD compares: African/African-American, 8.3%; 275 homozygotes.

Submissions (4):

Labcorp Genetics (formerly Invitae), Labcorp
Classification: Benign. Last evaluated: 2026-01-15. Review status: criteria provided, single submitter. Criteria: Invitae Variant Classification Sherloc (09022015). Collection method: clinical testing. Allele origin: germline.

Illumina Laboratory Services, Illumina
Classification: Likely benign for Glucocorticoid resistance. Last evaluated: 2017-04-27. Review status: criteria provided, single submitter. Criteria: ICSL Variant Classification Criteria 13 December 2019. Collection method: clinical testing. Allele origin: germline.
Comment: This variant was observed as part of a predisposition screen in an ostensibly healthy population. A literature search was performed for the gene, cDNA change, and amino acid change (where applicable). Publications were found based on this search. The evidence from the literature, in combination with allele frequency data from public databases where available, was sufficient to determine this variant is unlikely to cause disease. Therefore, this variant is classified as likely benign.

Breakthrough Genomics
Classification: Likely benign. Review status: criteria provided, single submitter. Criteria: ACMG Guidelines, 2015. Collection method: not provided. Allele origin: germline. Inheritance: Autosomal dominant inheritance. Affected: yes.

PreventionGenetics, part of Exact Sciences
Classification: Benign for NR3C1-related condition. Last evaluated: 2019-04-12. Review status: no assertion criteria provided. Collection method: clinical testing. Allele origin: germline. Not counted in ClinVar's aggregate classification.
Comment: This variant is classified as benign based on ACMG/AMP sequence variant interpretation guidelines (Richards et al. 2015 PMID: 25741868, with internal and published modifications).

Literature cited by the submitters: PubMed 19435830 (cited by Illumina Laboratory Services, Illumina).